The following is an entry in ClinVar:

ClinVar aggregate classification (germline): Uncertain significance (1 of 4 stars; one submission).

Conditions:
Hereditary cancer-predisposing syndrome. Also called: Neoplastic Syndromes, Hereditary; Tumor predisposition; Hereditary Cancer Syndrome; Hereditary neoplastic syndrome. Identifiers: Orphanet 140162, MedGen C0027672, MeSH D009386, MONDO:0015356.

Submission:

Ambry Genetics
Classification: Uncertain significance for Hereditary cancer-predisposing syndrome. Last evaluated: 2026-03-25. Review status: criteria provided, single submitter. Criteria: Ambry Variant Classification Scheme 2023. Collection method: clinical testing. Allele origin: germline.
Comment: The p.L129F variant (also known as c.385C>T), located in coding exon 1 of the MEN1 gene, results from a C to T substitution at nucleotide position 385. The leucine at codon 129 is replaced by phenylalanine, an amino acid with highly similar properties. This variant was reported in individual(s) with features consistent with multiple endocrine neoplasia type 1 (Ambry internal data). This amino acid position is highly conserved in available vertebrate species. In addition, this alteration is predicted to be deleterious by in silico analysis. Based on the available evidence, the clinical significance of this variant remains unclear.

NM_001370259.2(MEN1):c.385C>T (p.Leu129Phe)

Gene: MEN1 (menin 1; minus strand). Cytogenetic location: 11q13.1.
Variant type: single nucleotide variant.
Coding change: c.385C>T on transcript NM_001370259.2 (MANE Select); coding-DNA position 385, C replaced by T.
Protein change: p.Leu129Phe; replaces leucine 129 with phenylalanine.
Molecular consequence: missense variant. On other transcripts: non-coding transcript variant (4).
Genome position (GRCh38, 1-based): chr11:64,809,725, G>A on the plus strand (C>T on the coding strand, the complement: MEN1 is on the minus strand). VCF-style: chr11-64809725-G-A. GRCh37 (hg19) VCF-style: chr11-64577197-G-A.
Other names: c.385C>T, p.Leu129Phe (NM_000244.4, NM_001370251.2, NM_001370260.2 and 20 more transcripts); short protein forms L129F.
Identifiers: ClinVar variation 4859893 (VCV004859893.1).
Genomic context (GRCh38, chr11:64,809,725, plus strand): 5'-CTGTGATGAAGCTGAAGAGGGACTGGATGTGGGCCCGATCCTTGAAGTAGGAGCGGCTGA[G>A]GCTGTTCCATATGACATCGGAGACCTTCTTCACCAGCTCACGGCTGGAGACACCCCCTTC-3'
Protein context (NP_001357188.2, residues 119-139): KKVSDVIWNS[Leu129Phe]SRSYFKDRAH